The following is an entry in ClinVar:

ClinVar aggregate classification (germline): Uncertain significance (1 of 4 stars; one submission).

Conditions:
Inborn genetic diseases. Identifiers: MedGen C0950123, MeSH D030342.

Submission:

Ambry Genetics
Classification: Uncertain significance for Inborn genetic diseases. Last evaluated: 2024-10-08. Review status: criteria provided, single submitter. Criteria: Ambry Variant Classification Scheme 2023. Collection method: clinical testing. Allele origin: germline.
Comment: The p.T861K variant (also known as c.2582C>A), located in coding exon 17 of the MIB1 gene, results from a C to A substitution at nucleotide position 2582. The threonine at codon 861 is replaced by lysine, an amino acid with similar properties. This amino acid position is conserved. In addition, the in silico prediction for this alteration is inconclusive. Based on the available evidence, the clinical significance of this variant remains unclear.

NM_020774.4(MIB1):c.2582C>A (p.Thr861Lys)

Gene: MIB1 (MIB E3 ubiquitin protein ligase 1; plus strand). Cytogenetic location: 18q11.2.
Variant type: single nucleotide variant.
Coding change: c.2582C>A on transcript NM_020774.4 (MANE Select); coding-DNA position 2582, C replaced by A.
Protein change: p.Thr861Lys; replaces threonine 861 with lysine.
Molecular consequence: missense variant.
Genome position (GRCh38, 1-based): chr18:21,849,384, C>A. VCF-style: chr18-21849384-C-A. GRCh37 (hg19) VCF-style: chr18-19429345-C-A.
Other names: short protein forms T861K.
Identifiers: ClinVar variation 3395772 (VCV003395772.1).